The following is an entry in ClinVar:

ClinVar aggregate classification (germline): Benign (0 of 4 stars; one submission).

Conditions:
Bardet-Biedl syndrome (BBS). Identifiers: Orphanet 110, MedGen C0752166, MONDO:0015229.

Submission:

GeneReviews
Classification: Benign for Bardet-Biedl Syndrome. Last evaluated: 2009-10-13. Review status: no assertion criteria provided. Collection method: curation. Allele origin: unknown.
ClinVar note: Converted during submission from benign to Benign.

NM_033028.5(BBS4):c.8A>C (p.Glu3Ala)

Gene: BBS4 (Bardet-Biedl syndrome 4; plus strand). Cytogenetic location: 15q24.1.
Variant type: single nucleotide variant.
Coding change: c.8A>C on transcript NM_033028.5 (MANE Select); coding-DNA position 8, A replaced by C.
Protein change: p.Glu3Ala; replaces glutamic acid 3 with alanine.
Molecular consequence: missense variant. On other transcripts: 5 prime UTR variant (1), non-coding transcript variant (2).
Genome position (GRCh38, 1-based): chr15:72,686,235, A>C. VCF-style: chr15-72686235-A-C. GRCh37 (hg19) VCF-style: chr15-72978576-A-C.
Other names: c.8A/C; c.-462A>C (NM_001252678.2); c.8A>C, p.Glu3Ala (NM_001320665.2); short protein forms E3A.
Identifiers: ClinVar variation 21741 (VCV000021741.3), dbSNP rs113994183, ClinGen allele CA342437.